The following is an entry in ClinVar:

NM_000138.5(FBN1):c.6947G>T (p.Cys2316Phe)

Gene: FBN1 (fibrillin 1; minus strand). Cytogenetic location: 15q21.1.
Variant type: single nucleotide variant.
Coding change: c.6947G>T on transcript NM_000138.5 (MANE Select); coding-DNA position 6947, G replaced by T.
Protein change: p.Cys2316Phe; replaces cysteine 2316 with phenylalanine.
Molecular consequence: missense variant.
Genome position (GRCh38, 1-based): chr15:48,428,396, C>A on the plus strand (G>T on the coding strand, the complement: FBN1 is on the minus strand). VCF-style: chr15-48428396-C-A. GRCh37 (hg19) VCF-style: chr15-48720593-C-A.
Other names: short protein forms C2316F.
Identifiers: ClinVar variation 549379 (VCV000549379.4), dbSNP rs1555394629, ClinGen allele CA392330626.

ClinVar aggregate classification (germline): Pathogenic. Review status: criteria provided, single submitter (1 of 4 stars). 2 submissions from 2 submitters: Pathogenic (1). 1 of the submissions does not count toward it. Last evaluated 2023-12-05.

Conditions:
Familial thoracic aortic aneurysm and aortic dissection (TAAD). Also called: Thoracic aortic aneurysms and dissections. Identifiers: Orphanet 91387, MedGen C4707243, MONDO:0019625.
Marfan syndrome (MFS). Also called: Marfan syndrome type 1; Marfan syndrome, classic; Marfan's syndrome; FBN1-Related Marfan Syndrome; MARFAN SYNDROME, TYPE I. Identifiers: Orphanet 284963, Orphanet 558, MedGen C0024796, MONDO:0007947, OMIM 154700.

Submissions (2):

Labcorp Genetics (formerly Invitae), Labcorp
Classification: Pathogenic for Marfan syndrome; Familial thoracic aortic aneurysm and aortic dissection. Last evaluated: 2023-12-05. Review status: criteria provided, single submitter. Criteria: Invitae Variant Classification Sherloc (09022015). Collection method: clinical testing. Allele origin: germline.
Comment: This sequence change replaces cysteine, which is neutral and slightly polar, with phenylalanine, which is neutral and non-polar, at codon 2316 of the FBN1 protein (p.Cys2316Phe). This variant is not present in population databases (gnomAD no frequency). This missense change has been observed in individual(s) with Marfan syndrome (PMID: 31163209). ClinVar contains an entry for this variant (Variation ID: 549379). Advanced modeling of protein sequence and biophysical properties (such as structural, functional, and spatial information, amino acid conservation, physicochemical variation, residue mobility, and thermodynamic stability) performed at Invitae indicates that this missense variant is expected to disrupt FBN1 protein function with a positive predictive value of 95%. This variant affects a cysteine residue in the EGF-like, TGFBP or hybrid motif domains of FBN1. Cysteine residues are believed to be involved in intramolecular disulfide bridges and have been shown to be important for FBN1 protein structure (PMID: 16905551, 19349279). In addition, missense substitutions affecting cysteine residues within these domains are significantly overrepresented among patients with Marfan syndrome (PMID: 16571647, 17701892). This variant disrupts the p.Cys2316 amino acid residue in FBN1. Other variant(s) that disrupt this residue have been observed in individuals with FBN1-related conditions (PMID: 19293843, 35058154), which suggests that this may be a clinically significant amino acid residue. For these reasons, this variant has been classified as Pathogenic.

Center for Medical Genetics Ghent, University of Ghent
Classification: Likely pathogenic for Marfan syndrome. Last evaluated: 2017-11-07. Review status: no assertion criteria provided. Collection method: clinical testing. Allele origin: germline. Affected: yes. Not counted in ClinVar's aggregate classification.

Literature cited by the submitters: PubMed 31163209 (cited by Labcorp Genetics (formerly Invitae), Labcorp); PubMed 16905551 (cited by Labcorp Genetics (formerly Invitae), Labcorp); PubMed 19349279 (cited by Labcorp Genetics (formerly Invitae), Labcorp); PubMed 16571647 (cited by Labcorp Genetics (formerly Invitae), Labcorp); PubMed 17701892 (cited by Labcorp Genetics (formerly Invitae), Labcorp); PubMed 19293843 (cited by Labcorp Genetics (formerly Invitae), Labcorp); PubMed 35058154 (cited by Labcorp Genetics (formerly Invitae), Labcorp).